The following is an entry in ClinVar:

ClinVar aggregate classification (germline): Uncertain significance (1 of 4 stars; one submission).

Conditions:
Tuberous sclerosis 2 (TSC2). Identifiers: Orphanet 805, MedGen C1860707, MONDO:0013199, OMIM 613254.

Submission:

Labcorp Genetics (formerly Invitae), Labcorp
Classification: Uncertain significance for Tuberous sclerosis 2. Last evaluated: 2020-12-22. Review status: criteria provided, single submitter. Criteria: Invitae Variant Classification Sherloc (09022015). Collection method: clinical testing. Allele origin: germline.
Comment: In summary, the available evidence is currently insufficient to determine the role of this variant in disease. Therefore, it has been classified as a Variant of Uncertain Significance. Experimental studies and prediction algorithms are not available or were not evaluated, and the functional significance of this variant is currently unknown. This variant has not been reported in the literature in individuals with TSC2-related conditions. This variant is not present in population databases (ExAC no frequency). This variant, c.5075_5077del, results in the deletion of 1 amino acid(s) of the TSC2 protein (p.Glu1692del), but otherwise preserves the integrity of the reading frame.

NM_000548.5(TSC2):c.5075_5077del (p.Glu1692del)

Gene: TSC2 (TSC complex subunit 2; plus strand). Cytogenetic location: 16p13.3.
Variant type: Deletion.
Coding change: c.5075_5077del on transcript NM_000548.5 (MANE Select); coding-DNA positions 5075 to 5077, 3 bases deleted (AGG; older notation c.5075_5077delAGG).
Protein change: p.Glu1692del; deletes glutamic acid 1692.
Molecular consequence: inframe deletion.
Genome position (GRCh38, 1-based): chr16:2,088,054-2,088,056, AGG deleted; deleting any 3 consecutive bases within chr16:2,088,052-2,088,056 gives the same sequence; the c. name uses the placement nearest the transcript's 3' end. VCF-style (leftmost placement, unchanged base first): chr16-2088051-TGGA-T. GRCh37 (hg19) VCF-style: chr16-2138052-TGGA-T.
Other names: c.4874_4876del, p.Glu1625del (NM_001077183.3); c.5006_5008del, p.Glu1669del (NM_001114382.3); c.4766_4768del, p.Glu1589del (NM_001318827.2); c.4730_4732del, p.Glu1577del (NM_001318829.2); c.4343_4345del, p.Glu1448del (NM_001318831.2); c.4907_4909del, p.Glu1636del (NM_001318832.2); c.4877_4879del, p.Glu1626del (NM_001363528.2); c.4943_4945del, p.Glu1648del (NM_001370404.1); and 1 more; short protein forms E1448del, E1692del, E1577del, E1626del, E1648del, E1649del, E1589del, E1636del.
Identifiers: ClinVar variation 1524601 (VCV001524601.8), dbSNP rs2151619736, ClinGen allele CA2573151968.